The following is an entry in ClinVar:

NM_006397.3(RNASEH2A):c.670G>A (p.Val224Met)

Gene: RNASEH2A (ribonuclease H2 subunit A; plus strand). Cytogenetic location: 19p13.13.
Variant type: single nucleotide variant.
Coding change: c.670G>A on transcript NM_006397.3 (MANE Select); coding-DNA position 670, G replaced by A.
Protein change: p.Val224Met; replaces valine 224 with methionine.
Molecular consequence: missense variant.
Genome position (GRCh38, 1-based): chr19:12,813,115, G>A. VCF-style: chr19-12813115-G-A. GRCh37 (hg19) VCF-style: chr19-12923929-G-A.
Other names: short protein forms V224M.
Identifiers: ClinVar variation 944425 (VCV000944425.9), dbSNP rs775597355, ClinGen allele CA9232005.
Genomic context (GRCh38, chr19:12,813,115, plus strand): 5'-ACTGTCACCATTGCCCACCCTACCCCAGATCCCAAGACAAAAGCGTGGTTGAAGGAGCAC[G>A]TGGAGCCTGTGTTCGGCTTCCCCCAGTTTGTCCGGTTCAGCTGGCGCACGGCCCAGACCA-3'
Protein context (NP_006388.2, residues 214-234): PKTKAWLKEH[Val224Met]EPVFGFPQFV

ClinVar aggregate classification (germline): Uncertain significance. Review status: criteria provided, multiple submitters, no conflicts (2 of 4 stars). 2 submissions from 2 submitters: Uncertain significance (2). Last evaluated 2025-04-07.

Conditions:
Aicardi-Goutieres syndrome 4. Identifiers: Orphanet 51, MedGen C1835912, MONDO:0012472, OMIM 610333.
Inborn genetic diseases. Identifiers: MedGen C0950123, MeSH D030342.

Allele frequency attached by ClinVar (database versions not stated): gnomAD 0.00002 and 0.00003; TOPMed 0.00002.

Submissions (2):

Labcorp Genetics (formerly Invitae), Labcorp
Classification: Uncertain significance for Aicardi-Goutieres syndrome 4. Last evaluated: 2025-04-07. Review status: criteria provided, single submitter. Criteria: Invitae Variant Classification Sherloc (09022015). Collection method: clinical testing. Allele origin: germline.
Comment: This sequence change replaces valine, which is neutral and non-polar, with methionine, which is neutral and non-polar, at codon 224 of the RNASEH2A protein (p.Val224Met). This variant is present in population databases (rs775597355, gnomAD 0.01%). This variant has not been reported in the literature in individuals affected with RNASEH2A-related conditions. ClinVar contains an entry for this variant (Variation ID: 944425). Invitae Evidence Modeling of protein sequence and biophysical properties (such as structural, functional, and spatial information, amino acid conservation, physicochemical variation, residue mobility, and thermodynamic stability) indicates that this missense variant is not expected to disrupt RNASEH2A protein function with a negative predictive value of 80%. In summary, the available evidence is currently insufficient to determine the role of this variant in disease. Therefore, it has been classified as a Variant of Uncertain Significance.

Ambry Genetics
Classification: Uncertain significance for Inborn genetic diseases. Last evaluated: 2024-08-20. Review status: criteria provided, single submitter. Criteria: Ambry Variant Classification Scheme 2023. Collection method: clinical testing. Allele origin: germline.